The following is an entry in ClinVar:

ClinVar aggregate classification (germline): Likely pathogenic. Review status: reviewed by expert panel (3 of 4 stars). 3 submissions from 3 submitters: Likely pathogenic (1). 2 of the submissions do not count toward it. Last evaluated 2026-10-20.

Conditions:
Metaphyseal chondrodysplasia, McKusick type (CHH). Also called: Cartilage-hair hypoplasia; Cartilage-Hair Hypoplasia (CHH). Identifiers: Orphanet 175, MedGen C0220748, MONDO:0009595, OMIM 250250.

Allele frequency attached by ClinVar (database versions not stated): gnomAD exomes 0.00001; TOPMed 0.00002; gnomAD 0.00003.
gnomAD v4.1: 12 of 700,024 alleles (0.0017%); highest among the groups gnomAD compares: Non-Finnish European, 0.0026%; no homozygotes.

Submissions (3):

ClinGen Severe Combined Immunodeficiency Variant Curation Expert Panel, ClinGen
Classification: Likely pathogenic for Metaphyseal chondrodysplasia, McKusick type. Last evaluated: 2026-10-20. Review status: reviewed by expert panel. Criteria: ClinGen SCID ACMG Specifications RMRP V1.3. Collection method: curation. Allele origin: germline. Inheritance: Autosomal recessive inheritance.
Comment: The variant NC_000009.12:g.35657801G>A in RMRP is also known as NR_003051.4:n.219C>T, NR_003051.3:n.218C>T, or NR_003051.2:n.217C>T. The Grpmax Filtering allele frequency of this variant in gnomAD v4.1.1 is 0.000007810, which is less than the threshold determined by the SCID VCEP (<0.0000447) (PM2_Supporting). The variant was observed in at least two patients with cartilage-hair hypoplasia. One patient was heterozygous for this variant and a likely pathogenic variant NC_000009.12:g.35657948T>C (NR_003051.2:n.70A>G), and the other patient was heterozygous for this variant and a pathogenic variant NC_000009.12:g.35657800T>C (NR_003051.2:n.218A>G) (PMIDs 21570718, 16832578). Both secondary variants were curated by the SCID VCEP (PM3_Strong). One of the patients presented with typical metaphyseal dysplasia and hypotrichosis features, and the T lymphocyte count was below the normal range in age-matched control group (PP4_Moderate) (PMID 21570718). In summary, this variant is classified as likely pathogenic for autosomal recessive cartilage-hair hypoplasia based on the ACMG/AMP criteria applied, as specified by the ClinGen SCID VCEP: PP4_Moderate, PM2_Supporting, PM3_Strong. (VCEP specifications version 1.3.0)

Natera, Inc.
Classification: Likely pathogenic for Cartilage-hair hypoplasia. Last evaluated: 2024-05-02. Review status: criteria provided, single submitter. Criteria: Natera Variant Classification Schema (03/2026). Collection method: clinical testing. Allele origin: germline. Not counted in ClinVar's aggregate classification.
Comment: The n.218C>T variant in RMRP is characterized as a single nucleotide variant (SNV). This variant is rare in the general population with a frequency below the threshold expected for the associated phenotype(s). This variant has been observed in one or more individuals affected with the associated recessive disease, as either homozygous or compound heterozygous with a second variant (PMID: 16832578, 21570718). Given the available evidence, this variant is classified as Likely Pathogenic.

Women's Health and Genetics/Laboratory Corporation of America, LabCorp
Classification: Uncertain significance. Last evaluated: 2023-02-14. Review status: criteria provided, single submitter. Criteria: LabCorp Variant Classification Summary - May 2015. Collection method: clinical testing. Allele origin: germline. Not counted in ClinVar's aggregate classification.
Comment: Variant summary: RMRP n.218C>T alters a nucleotide in the non-coding RNA. The variant allele was found at a frequency of 2.3e-05 in 129882 control chromosomes. n.218C>T has been reported in the literature in individuals affected with Cartilage-Hair Hypoplasia. These data indicate that the variant may be associated with disease. To our knowledge, no experimental evidence demonstrating an impact on protein function has been reported. No clinical diagnostic laboratories have submitted clinical-significance assessments for this variant to ClinVar after 2014. Based on the evidence outlined above, the variant was classified as VUS-possibly pathogenic.

Literature cited by the submitters: PubMed 16832578 (cited by Natera, Inc. and Women's Health and Genetics/Laboratory Corporation of America, LabCorp); PubMed 21570718 (cited by Natera, Inc. and Women's Health and Genetics/Laboratory Corporation of America, LabCorp).

NR_003051.4(RMRP):n.219C>T

Gene: RMRP (RNA component of mitochondrial RNA processing endoribonuclease; minus strand). Cytogenetic location: 9p13.3.
Variant type: single nucleotide variant.
Genome position: GRCh38 VCF-style: chr9-35657801-G-A. GRCh37 (hg19) VCF-style: chr9-35657798-G-A.
Identifiers: ClinVar variation 2445847 (VCV002445847.3), dbSNP rs1021056174, ClinGen allele CA192745563.
Genomic context (GRCh38, chr9:35,657,801, plus strand): 5'-GGAACAAAAAACAGCCGCGCTGAGAATGAGCCCCGTGTGGTTGGTGCGCGGACACGCACT[G>A]CCTGCGTAACTAGAGGGAGCTGACGGATGACGCCCCCGCGCCACGCCGCTCAGCGGGATA-3'